The following is an entry in ClinVar:

NM_015215.4(CAMTA1):c.2335G>A (p.Asp779Asn)

Gene: CAMTA1 (calmodulin binding transcription activator 1; plus strand). Cytogenetic location: 1p36.23.
Variant type: single nucleotide variant.
Coding change: c.2335G>A on transcript NM_015215.4 (MANE Select); coding-DNA position 2335, G replaced by A.
Protein change: p.Asp779Asn; replaces aspartic acid 779 with asparagine.
Molecular consequence: missense variant.
Genome position (GRCh38, 1-based): chr1:7,664,882, G>A. VCF-style: chr1-7664882-G-A. GRCh37 (hg19) VCF-style: chr1-7724942-G-A.
Other names: c.2245G>A, p.Asp749Asn (NM_001349608.2, NM_001349612.2); c.2335G>A, p.Asp779Asn (NM_001349609.2, NM_001349610.2, NM_001410737.1); c.2263G>A, p.Asp755Asn (NM_001410738.1); short protein forms D749N, D755N, D779N.
Identifiers: ClinVar variation 2574236 (VCV002574236.1), dbSNP rs2095988092, ClinGen allele CA338133905.

ClinVar aggregate classification (germline): Uncertain significance (1 of 4 stars; one submission).

Allele frequency attached by ClinVar (database versions not stated): gnomAD exomes below 0.00001; TOPMed below 0.00001.
gnomAD v4.1: 6 of 1,613,342 alleles (0.00037%); highest among the groups gnomAD compares: Non-Finnish European, 0.00042%; no homozygotes.

Submission:

GeneDx
Classification: Uncertain significance. Last evaluated: 2023-07-25. Review status: criteria provided, single submitter. Criteria: GeneDx Variant Classification Process June 2021. Collection method: clinical testing. Allele origin: germline. Affected: yes.
Comment: Not observed at significant frequency in large population cohorts (gnomAD); In silico analysis supports that this missense variant has a deleterious effect on protein structure/function; Has not been previously published as pathogenic or benign to our knowledge